The following is an entry in ClinVar:

NM_001127453.2(GSDME):c.212-54C>T

Gene: GSDME (gasdermin E; minus strand). Cytogenetic location: 7p15.3.
Variant type: single nucleotide variant.
Coding change: c.212-54C>T on transcript NM_001127453.2 (MANE Select); 54 bases into the intron before coding-DNA position 212, C replaced by T.
Molecular consequence: intron variant.
Genome position (GRCh38, 1-based): chr7:24,744,808, G>A on the plus strand (C>T on the coding strand, the complement: GSDME is on the minus strand). VCF-style: chr7-24744808-G-A. GRCh37 (hg19) VCF-style: chr7-24784427-G-A.
Other names: c.-281-54C>T (NM_001127454.2); c.212-54C>T (NM_004403.3).
Identifiers: ClinVar variation 683012 (VCV000683012.1), dbSNP rs55926631, ClinGen allele CA12629433.

ClinVar aggregate classification (germline): Benign (1 of 4 stars; one submission).

Allele frequency attached by ClinVar (database versions not stated): 1000 Genomes Project 0.01977; 1000 Genomes Project 30x 0.01999; TOPMed 0.03441; gnomAD 0.03737 and 0.03817; gnomAD exomes 0.05154.
gnomAD v4.1: 79,468 of 1,589,712 alleles (5%); highest among the groups gnomAD compares: Non-Finnish European, 5.7%; 2,310 homozygotes.

Submission:

GeneDx
Classification: Benign. Last evaluated: 2018-06-16. Review status: criteria provided, single submitter. Criteria: GeneDx Variant Classification (06012015). Collection method: clinical testing. Allele origin: germline. Affected: yes.
Comment: This variant is considered likely benign or benign based on one or more of the following criteria: it is a conservative change, it occurs at a poorly conserved position in the protein, it is predicted to be benign by multiple in silico algorithms, and/or has population frequency not consistent with disease.